The following is an entry in ClinVar:

ClinVar aggregate classification (germline): Likely pathogenic (1 of 4 stars; one submission).

Conditions:
Neurodevelopmental disorder with impaired speech and hyperkinetic movements. Identifiers: MedGen C5193088, MONDO:0032741, OMIM 618425.

Submission:

Neuberg Centre For Genomic Medicine, NCGM
Classification: Likely pathogenic for Neurodevelopmental disorder with impaired speech and hyperkinetic movements. Last evaluated: 2023-05-20. Review status: criteria provided, single submitter. Criteria: ACMG Guidelines, 2015. Collection method: clinical testing. Allele origin: germline. Inheritance: Autosomal recessive inheritance. Affected: yes.
Comment: The observed frameshift c.3474del(p.Val1159SerfsTer58) variant in ZNF142 gene has not been reported previously as a pathogenic variant nor as a benign variant, to our knowledge. This variant is absent in gnomAD Exomes. This variant causes a frameshift starting with codon Valine 1159, changes this amino acid to Serine residue, and creates a premature Stop codon at position 58 of the new reading frame, denoted p.Val1159SerfsTer58. This variant is predicted to cause loss of normal protein function through protein truncation. Loss of function variants have been previously reported to be disease causing. For these reasons, this variant has been classified as Likely Pathogenic.

NM_001379659.1(ZNF142):c.3474del (p.Val1159fs)

Gene: ZNF142 (zinc finger protein 142; minus strand). Cytogenetic location: 2q35.
Variant type: Deletion.
Coding change: c.3474del on transcript NM_001379659.1 (MANE Select); coding-DNA position 3474, one base deleted (A; older notation c.3474delA).
Protein change: p.Val1159fs; shifts the reading frame from valine 1159.
Molecular consequence: frameshift variant.
Genome position (GRCh38, 1-based): chr2:218,643,642, T deleted on the plus strand (A on the coding strand, the reverse complement: ZNF142 is on the minus strand). VCF-style (leftmost placement, unchanged base first): chr2-218643641-CT-C. GRCh37 (hg19) VCF-style: chr2-219508364-CT-C.
Other names: c.2874delA, p.Val959Serfs (NM_001105537.5, NM_001366291.3); c.2385delA, p.Val796Serfs (NM_001366287.3, NM_001366288.3, NM_001366289.3); c.3474del, p.Val1159fs (NM_001366290.3, NM_001379660.1, NM_001379661.1); c.2874del, p.Val959fs (NM_001379662.1); short protein forms V1159fs, V796fs, V959fs.
Identifiers: ClinVar variation 3341383 (VCV003341383.1).